The following is an entry in ClinVar:

NM_001164508.2(NEB):c.11628G>A (p.Trp3876Ter)

Gene: NEB (nebulin; minus strand). Cytogenetic location: 2q23.3.
Variant type: single nucleotide variant.
Coding change: c.11628G>A on transcript NM_001164508.2 (MANE Select); coding-DNA position 11628, G replaced by A.
Protein change: p.Trp3876Ter; replaces tryptophan 3876 with a stop codon.
Molecular consequence: nonsense.
Genome position (GRCh38, 1-based): chr2:151,612,363, C>T on the plus strand (G>A on the coding strand, the complement: NEB is on the minus strand). VCF-style: chr2-151612363-C-T. GRCh37 (hg19) VCF-style: chr2-152468877-C-T.
Other names: NM_001164508.2:c.11628G>A; c.11628G>A, p.Trp3876Ter (NM_001164507.2, NM_001271208.2); c.10899G>A, p.Trp3633Ter (NM_004543.5); short protein forms W3633*, W3876*.
Identifiers: ClinVar variation 3239879 (VCV003239879.2), dbSNP rs201719702.

ClinVar aggregate classification (germline): Pathogenic/Likely pathogenic. Review status: criteria provided, multiple submitters, no conflicts (2 of 4 stars). 2 submissions from 2 submitters: Pathogenic (1); Likely pathogenic (1). Last evaluated 2025-03-12.

Conditions:
Nemaline myopathy. Also called: Myopathies, Nemaline. Identifiers: Orphanet 607, MedGen C0206157, MONDO:0018958.
Arthrogryposis multiplex congenita 6. Identifiers: MedGen C5543431, MONDO:0030281, OMIM 619334.

Allele frequency attached by ClinVar (database versions not stated): gnomAD exomes below 0.00001.
gnomAD v4.1: 3 of 1,613,748 alleles (0.00019%); highest among the groups gnomAD compares: Admixed American, 0.0017%; no homozygotes.

Submissions (2):

Broad Center for Mendelian Genomics, Broad Institute of MIT and Harvard
Classification: Likely pathogenic for Nemaline myopathy. Last evaluated: 2025-03-12. Review status: criteria provided, single submitter. Criteria: ACMG Guidelines, 2015. Collection method: curation. Allele origin: germline. Inheritance: Autosomal recessive inheritance.
Comment: The p.Trp3876Ter variant in NEB has been reported in three individuals with nemaline myopathy (PMID: 25205138, 30792901), and has been identified in 0.002% (1/60006) of Latino/Admixed American chromosomes by the Genome Aggregation Database (gnomAD; dbSNP ID: rs201719702). Although this variant has been seen in the general population in a heterozygous state, its frequency is low enough to be consistent with a recessive carrier frequency. This nonsense variant leads to a premature termination codon at position 3876, which is predicted to lead to a truncated or absent protein. Loss of function of the NEB gene is an established disease mechanism in autosomal recessive nemaline myopathy. In summary, although additional studies are required to fully establish its clinical significance, this variant is likely pathogenic for autosomal recessive nemaline myopathy. ACMG/AMP Criteria applied: PVS1, PM2_supporting (Richards 2015).

Baylor Genetics
Classification: Pathogenic for Arthrogryposis multiplex congenita 6. Last evaluated: 2024-01-26. Review status: criteria provided, single submitter. Criteria: ACMG Guidelines, 2015. Collection method: clinical testing. Allele origin: unknown.